The following is an entry in ClinVar:

ClinVar aggregate classification (germline): Uncertain significance (1 of 4 stars; one submission).

Conditions:
Hereditary cancer-predisposing syndrome. Also called: Hereditary neoplastic syndrome; Neoplastic Syndromes, Hereditary; Tumor predisposition; Hereditary Cancer Syndrome. Identifiers: Orphanet 140162, MedGen C0027672, MeSH D009386, MONDO:0015356.

Submission:

Ambry Genetics
Classification: Uncertain significance for Hereditary cancer-predisposing syndrome. Last evaluated: 2025-06-26. Review status: criteria provided, single submitter. Criteria: Ambry Variant Classification Scheme 2023. Collection method: clinical testing. Allele origin: germline.
Comment: The p.R24P variant (also known as c.71G>C), located in coding exon 1 of the APC gene, results from a G to C substitution at nucleotide position 71. The arginine at codon 24 is replaced by proline, an amino acid with dissimilar properties. This amino acid position is highly conserved in available vertebrate species. In addition, in silico predictors for this gene do not accurately predict pathogenicity. Missense alterations in APC are not a common cause of disease (Spier I et al. Genet Med. 2024 Feb;26(2):100992). Based on the available evidence, the clinical significance of this variant remains unclear.

NM_000038.6(APC):c.71G>C (p.Arg24Pro)

Gene: APC (APC regulator of Wnt signaling pathway; plus strand). Cytogenetic location: 5q22.2.
Variant type: single nucleotide variant.
Coding change: c.71G>C on transcript NM_000038.6 (MANE Select); coding-DNA position 71, G replaced by C.
Protein change: p.Arg24Pro; replaces arginine 24 with proline.
Molecular consequence: missense variant. On other transcripts: 5 prime UTR variant (4), non-coding transcript variant (2), intron variant (11).
Genome position (GRCh38, 1-based): chr5:112,754,961, G>C. VCF-style: chr5-112754961-G-C. GRCh37 (hg19) VCF-style: chr5-112090658-G-C.
Other names: c.71G>C, p.Arg24Pro (NM_001407454.1, NM_001407455.1, NM_001407456.1 and 16 more transcripts); c.-965G>C (NM_001407470.1, NM_001407471.1, NM_001354906.2 and 1 more transcripts); c.166-11365G>C (NM_001407446.1, NM_001354897.2, NM_001354902.2 and 1 more transcripts); c.-42-11365G>C (NM_001407453.1, NM_001354900.2, NM_001354901.2 and 1 more transcripts); c.61-11365G>C (NM_001407451.1, NM_001354898.2, NM_001354904.2); short protein forms R24P.
Identifiers: ClinVar variation 4120320 (VCV004120320.1).